The following is an entry in ClinVar:

ClinVar aggregate classification (germline): Uncertain significance. Review status: criteria provided, multiple submitters, no conflicts (2 of 4 stars). 2 submissions from 2 submitters: Uncertain significance (2). Last evaluated 2025-06-15.

Conditions:
Anterior segment dysgenesis 7 (ASGD7). Also called: SCLEROCORNEA WITH OTHER OCULAR ANOMALIES; Anterior segment dysgenesis 7, with sclerocornea. Identifiers: Orphanet 289499, MedGen C3151617, MONDO:0010015, OMIM 269400.

Allele frequency attached by ClinVar (database versions not stated): gnomAD exomes 0.00001; TOPMed 0.00001; gnomAD 0.00002.
gnomAD v4.1: 16 of 1,600,078 alleles (0.001%); highest among the groups gnomAD compares: Non-Finnish European, 0.0012%; no homozygotes.

Submissions (2):

Labcorp Genetics (formerly Invitae), Labcorp
Classification: Uncertain significance for Anterior segment dysgenesis 7. Last evaluated: 2025-06-15. Review status: criteria provided, single submitter. Criteria: Invitae Variant Classification Sherloc (09022015). Collection method: clinical testing. Allele origin: germline.
Comment: This sequence change replaces glycine, which is neutral and non-polar, with arginine, which is basic and polar, at codon 974 of the PXDN protein (p.Gly974Arg). This variant is not present in population databases (gnomAD no frequency). This missense change has been observed in individual(s) with PXDN-related conditions (PMID: 37644014). ClinVar contains an entry for this variant (Variation ID: 3064080). Invitae Evidence Modeling of protein sequence and biophysical properties (such as structural, functional, and spatial information, amino acid conservation, physicochemical variation, residue mobility, and thermodynamic stability) indicates that this missense variant is expected to disrupt PXDN protein function with a positive predictive value of 80%. In summary, the available evidence is currently insufficient to determine the role of this variant in disease. Therefore, it has been classified as a Variant of Uncertain Significance.

Genomic Medicine Center of Excellence, King Faisal Specialist Hospital and Research Centre
Classification: Uncertain significance for Anterior segment dysgenesis 7. Last evaluated: 2024-03-17. Review status: criteria provided, single submitter. Criteria: ACMG Guidelines, 2015. Collection method: research. Allele origin: germline.

Literature cited by the submitters: PubMed 37644014 (cited by Labcorp Genetics (formerly Invitae), Labcorp).

NM_012293.3(PXDN):c.2920G>A (p.Gly974Arg)

Gene: PXDN (peroxidasin; minus strand). Cytogenetic location: 2p25.3.
Variant type: single nucleotide variant.
Coding change: c.2920G>A on transcript NM_012293.3 (MANE Select); coding-DNA position 2920, G replaced by A.
Protein change: p.Gly974Arg; replaces glycine 974 with arginine.
Molecular consequence: missense variant.
Genome position (GRCh38, 1-based): chr2:1,648,860, C>T on the plus strand (G>A on the coding strand, the complement: PXDN is on the minus strand). VCF-style: chr2-1648860-C-T. GRCh37 (hg19) VCF-style: chr2-1652632-C-T.
Other names: short protein forms G974R.
Identifiers: ClinVar variation 3064080 (VCV003064080.3), dbSNP rs1219733331, ClinGen allele CA345704049.